The following is an entry in ClinVar:

ClinVar aggregate classification (germline): Conflicting classifications of pathogenicity. Review status: criteria provided, conflicting classifications (1 of 4 stars). 13 submissions from 13 submitters: Uncertain significance (4); Likely benign (5). 4 of the submissions do not count toward it. Last evaluated 2026-02-03.

Conditions:
Hereditary cancer-predisposing syndrome. Also called: Neoplastic Syndromes, Hereditary; Tumor predisposition; Hereditary Cancer Syndrome; Hereditary neoplastic syndrome. Identifiers: Orphanet 140162, MedGen C0027672, MeSH D009386, MONDO:0015356.
Hereditary breast ovarian cancer syndrome. Also called: Hereditary breast and ovarian cancer syndrome; Hereditary breast and ovarian cancer; Hereditary breast and ovarian cancer syndrome (HBOC); Breast and ovarian cancer; Hereditary breast and/or ovarian cancer syndrome; BRCA1- and BRCA2-Associated Hereditary Breast and Ovarian Cancer. Identifiers: Orphanet 145, MedGen C0677776, MeSH D061325, MONDO:0003582. Disease mechanism: loss of function.
Breast-ovarian cancer, familial, susceptibility to, 2 (BROVCA2). Also called: BRCA2 Hereditary Breast and Ovarian Cancer. Identifiers: Orphanet 145, MedGen C2675520, MONDO:0012933, OMIM 612555. Disease mechanism: loss of function.
Breast and/or ovarian cancer. Identifiers: MedGen CN221562.

Allele frequency attached by ClinVar (database versions not stated): TOPMed below 0.00001; gnomAD 0.00001; gnomAD exomes 0.00001; ExAC 0.00002.
gnomAD v4.1: 10 of 1,611,694 alleles (0.00062%); highest among the groups gnomAD compares: Non-Finnish European, 0.00076%; no homozygotes.

Submissions (13):

Labcorp Genetics (formerly Invitae), Labcorp
Classification: Likely benign for Hereditary breast ovarian cancer syndrome. Last evaluated: 2026-02-03. Review status: criteria provided, single submitter. Criteria: Invitae Variant Classification Sherloc (09022015). Collection method: clinical testing. Allele origin: germline.

Quest Diagnostics Nichols Institute San Juan Capistrano
Classification: Uncertain significance. Last evaluated: 2023-07-25. Review status: criteria provided, single submitter. Criteria: Quest Diagnostics criteria. Collection method: clinical testing. Allele origin: unknown.
Comment: In the published literature, this variant has been reported in individuals with breast cancer (PMID: 35402282 (2022), 34178674 (2021), 32854451 (2020)), and Cowden Syndrome/Cowden Syndrome-like Bannayan-Riley Ruvalcaba Syndrome (PMID: 29684080 (2018)). Published functional studies have reported that this variant does not have a deleterious effect on BRCA2 protein function (PMID: 29988080 (2018)). The frequency of this variant in the general population, 0.000012 (3/248932 chromosomes (Genome Aggregation Database)), is uninformative in the assessment of its pathogenicity. Analysis of this variant using bioinformatics tools for the prediction of the effect of amino acid changes on protein structure and function yielded conflicting predictions that this variant is benign or damaging. Based on the available information, we are unable to determine the clinical significance of this variant.

University of Washington Department of Laboratory Medicine, University of Washington
Classification: Likely benign for Hereditary cancer-predisposing syndrome. Last evaluated: 2023-03-23. Review status: criteria provided, single submitter. Criteria: Dines et al. (Genet Med. 2020). Collection method: curation. Allele origin: germline.
Comment: Missense variant in a coldspot region where missense variants are very unlikely to be pathogenic (PMID:31911673).

BRCA2 exon 10 coldspot. Reclassification based on statistical prior probability.

Sema4
Classification: Uncertain significance for Hereditary cancer-predisposing syndrome. Last evaluated: 2021-04-04. Review status: criteria provided, single submitter. Criteria: Sema4 Curation Guidelines. Collection method: curation. Allele origin: germline.
Comment: The BRCA2 c.1769T>G (p.F590C) variant has been reported in heterozygosity in at least two individuals with breast cancer; however, one of these individuals also had an unspecified pathogenic variant in BRCA1 or BRCA2. (PMID: 27062684, 32854451). An evaluation of cell survival, HRD activity, and sensitivity to cisplatin demonstrated the normal function of the protein (PMID: 29988080). This variant was observed in 2/112788 chromosomes in the Non-Finnish European population according to the Genome Aggregation Database (PMID: 32461654). This variant has been reported in ClinVar (Variation ID: 51189). This variant involves a highly conserved amino acid, and computational analyses do not provide strong support for or against an impact to the protein. There is no indication that this variant causes disease, but the evidence is insufficient currently to prove that conclusively. In summary, the clinical significance of this variant is currently uncertain.

GeneDx
Classification: Likely benign. Last evaluated: 2021-03-26. Review status: criteria provided, single submitter. Criteria: GeneDx Variant Classification Process June 2021. Collection method: clinical testing. Allele origin: germline. Affected: yes.
Comment: Not observed at a significant frequency in large population cohorts (Lek et al., 2016); In silico analysis, which includes protein predictors and evolutionary conservation, supports that this variant does not alter protein structure/function; A published in vitro functional assay suggests that this variant is able to rescue cell lethality (Mesman 2018); Observed in at least one individual with breast or ovarian cancer (Azzollini 2016); This variant is associated with the following publications: (PMID: 25348012, 11929857, 29988080, 24817641, 27062684, 32854451, 29684080)

Ambry Genetics
Classification: Likely benign for Hereditary cancer-predisposing syndrome. Last evaluated: 2020-10-06. Review status: criteria provided, single submitter. Criteria: Ambry Variant Classification Scheme 2023. Collection method: clinical testing. Allele origin: germline.

CHEO Genetics Diagnostic Laboratory, Children's Hospital of Eastern Ontario
Classification: Uncertain significance for Breast and/or ovarian cancer. Last evaluated: 2019-05-07. Review status: criteria provided, single submitter. Criteria: ACMG Guidelines, 2015. Collection method: clinical testing. Allele origin: germline.

Women's Health and Genetics/Laboratory Corporation of America, LabCorp
Classification: Uncertain significance. Last evaluated: 2018-09-28. Review status: criteria provided, single submitter. Criteria: LabCorp Variant Classification Summary - May 2015. Collection method: clinical testing. Allele origin: germline.
Comment: Variant summary: BRCA2 c.1769T>G (p.Phe590Cys) results in a non-conservative amino acid change in the encoded protein sequence. Four of five in-silico tools predict a damaging effect of the variant on protein function. The variant allele was found at a frequency of 1.2e-05 in 244108 control chromosomes (gnomAD). The available data on variant occurrences in the general population are insufficient to allow any conclusion about variant significance. c.1769T>G has been reported in the literature in an individual affected with Hereditary Breast and Ovarian Cancer who was indicated to carry another pathogenic variant, although the variant was not specified (Azzollini_2016). These report(s) do not provide unequivocal conclusions about association of the variant with Hereditary Breast and Ovarian Cancer. At least one publication reports experimental evidence evaluating an impact on protein function. The most pronounced variant effect results in normal activity using multiple independent measures namely, complementation by BRCA2 variants of the cell lethal phenotype imposed by Cre-mediated loss of Brca2; HDR capacity, as measured by the repair of I-Sce1 induced double strand breaks (DSBs); and Cisplatin sensitivity of BRCA2 variants (Meman_2018). Four ClinVar submissions from clinical diagnostic laboratories (evaluation after 2014) cites the variant as uncertain significance. Based on the evidence outlined above, the variant was classified as VUS-possibly benign.

Color Diagnostics, LLC DBA Color Health
Classification: Likely benign for Hereditary cancer-predisposing syndrome. Last evaluated: 2017-09-15. Review status: criteria provided, single submitter. Criteria: ACMG Guidelines, 2015. Collection method: clinical testing. Allele origin: germline.

Department of Medical and Surgical Sciences, University of Bologna
Classification: Benign for Breast-ovarian cancer, familial, susceptibility to, 2. Last evaluated: 2023-09-01. Review status: no assertion criteria provided. Collection method: clinical testing. Allele origin: germline. Affected: yes. Not counted in ClinVar's aggregate classification.
Comment: BS3(Strong)+BP1(Strong)+BP5(Supporting) according to ACMG/AMP classification guidelines specified for BRCA1 & BRCA2 (Classification Criteria V1.0.0 2023-09-08) (PMID: 38160042)

Counsyl
Classification: Uncertain significance for Breast-ovarian cancer, familial, susceptibility to, 2. Last evaluated: 2015-12-11. Review status: no assertion criteria provided. Collection method: clinical testing. Allele origin: unknown. Not counted in ClinVar's aggregate classification.

Sharing Clinical Reports Project (SCRP)
Classification: Benign for Breast-ovarian cancer, familial 2. Last evaluated: 2012-05-01. Review status: no assertion criteria provided. Collection method: clinical testing. Allele origin: germline. Not counted in ClinVar's aggregate classification.

Breast Cancer Information Core (BIC) (BRCA2)
Classification: Uncertain significance for Breast-ovarian cancer, familial 2. Last evaluated: 2002-05-29. Review status: no assertion criteria provided. Collection method: clinical testing. Allele origin: germline. Affected: yes. Observed: 3 variant alleles. Not counted in ClinVar's aggregate classification.

Literature cited by the submitters: PubMed 32854451 (cited by 3 submitters); PubMed 29988080 (cited by 3 submitters); PubMed 29684080 (cited by Quest Diagnostics Nichols Institute San Juan Capistrano and Ambry Genetics); PubMed 27062684 (cited by 3 submitters); PubMed 11929857 (cited by Quest Diagnostics Nichols Institute San Juan Capistrano and Counsyl); PubMed 35402282 (cited by Quest Diagnostics Nichols Institute San Juan Capistrano); PubMed 34178674 (cited by Quest Diagnostics Nichols Institute San Juan Capistrano); PubMed 24817641 (cited by Counsyl); PubMed 25348012 (cited by Counsyl).

NM_000059.4(BRCA2):c.1769T>G (p.Phe590Cys)

Gene: BRCA2 (BRCA2 DNA repair associated; plus strand). Cytogenetic location: 13q13.1.
Variant type: single nucleotide variant.
Coding change: c.1769T>G on transcript NM_000059.4 (MANE Select); coding-DNA position 1769, T replaced by G.
Protein change: p.Phe590Cys; replaces phenylalanine 590 with cysteine.
Molecular consequence: missense variant.
Genome position (GRCh38, 1-based): chr13:32,333,247, T>G. VCF-style: chr13-32333247-T-G. GRCh37 (hg19) VCF-style: chr13-32907384-T-G.
Other names: 1997T>G; short protein forms F590C.
Identifiers: ClinVar variation 51189 (VCV000051189.27), dbSNP rs80358459, ClinGen allele CA013155.
Genomic context (GRCh38, chr13:32,333,247, plus strand): 5'-ATTCTGTAGCTTTGAAGAATGCAGGTTTAATATCCACTTTGAAAAAGAAAACAAATAAGT[T>G]TATTTATGCTATACATGATGAAACATCTTATAAAGGAAAAAAAATACCGAAAGACCAAAA-3'
Protein context (NP_000050.3, residues 580-600): ISTLKKKTNK[Phe590Cys]IYAIHDETSY